The following is an entry in ClinVar:

ClinVar aggregate classification (germline): Uncertain significance (1 of 4 stars; one submission).

Conditions:
Alstrom syndrome (ALMS). Identifiers: Orphanet 64, MedGen C0268425, MONDO:0008763, OMIM 203800.

gnomAD v4.1: 11 of 1,614,092 alleles (0.00068%); highest among the groups gnomAD compares: South Asian, 0.0033%; no homozygotes.

Submission:

Labcorp Genetics (formerly Invitae), Labcorp
Classification: Uncertain significance for Alstrom syndrome. Last evaluated: 2024-03-16. Review status: criteria provided, single submitter. Criteria: Invitae Variant Classification Sherloc (09022015). Collection method: clinical testing. Allele origin: germline.
Comment: This sequence change replaces alanine, which is neutral and non-polar, with valine, which is neutral and non-polar, at codon 3078 of the ALMS1 protein (p.Ala3078Val). This variant is not present in population databases (gnomAD no frequency). This variant has not been reported in the literature in individuals affected with ALMS1-related conditions. Experimental studies and prediction algorithms are not available or were not evaluated, and the functional significance of this variant is currently unknown. In summary, the available evidence is currently insufficient to determine the role of this variant in disease. Therefore, it has been classified as a Variant of Uncertain Significance.

NM_001378454.1(ALMS1):c.9230C>T (p.Ala3077Val)

Gene: ALMS1 (ALMS1 centrosome and basal body associated protein; plus strand). Cytogenetic location: 2p13.1.
Variant type: single nucleotide variant.
Coding change: c.9230C>T on transcript NM_001378454.1 (MANE Select); coding-DNA position 9230, C replaced by T.
Protein change: p.Ala3077Val; replaces alanine 3077 with valine.
Molecular consequence: missense variant.
Genome position (GRCh38, 1-based): chr2:73,491,189, C>T. VCF-style: chr2-73491189-C-T. GRCh37 (hg19) VCF-style: chr2-73718316-C-T.
Other names: c.9233C>T, p.Ala3078Val (NM_015120.4); short protein forms A3077V, A3078V.
Identifiers: ClinVar variation 3717214 (VCV003717214.1).